The following is an entry in ClinVar:

ClinVar aggregate classification (germline): Uncertain significance (1 of 4 stars; one submission).

Conditions:
Atypical hemolytic-uremic syndrome. Identifiers: Orphanet 2134, MedGen C2931788, MONDO:0016244.

Submission:

Genomenon, Inc
Classification: Uncertain significance for Atypical hemolytic-uremic syndrome. Last evaluated: 2025-10-02. Review status: criteria provided, single submitter. Criteria: Genomenon Sequence Variant Interpretation Standards. Collection method: curation. Allele origin: germline. Affected: no.
Comment: CD46 p.Glu37Ala (c.110A>C) is a missense variant that changes the amino acid at residue 37 from Glutamic acid to Alanine. This variant has been reported in the published literature (PMID:9268348;16014961;26357573). It is absent or not present at a significant frequency in gnomAD. In silico models agree that this variant is not damaging. In conclusion, we classify CD46 p.Glu37Ala (c.110A>C) as a variant of uncertain significance.

Literature cited by the submitters: PubMed 9268348; PubMed 16014961; PubMed 26357573.

NM_172351.3(CD46):c.110A>C (p.Glu37Ala)

Gene: CD46 (CD46 molecule; plus strand). Cytogenetic location: 1q32.2.
Variant type: single nucleotide variant.
Coding change: c.110A>C on transcript NM_172351.3 (MANE Select); coding-DNA position 110, A replaced by C.
Protein change: p.Glu37Ala; replaces glutamic acid 37 with alanine.
Molecular consequence: missense variant.
Genome position (GRCh38, 1-based): chr1:207,757,026, A>C. VCF-style: chr1-207757026-A-C. GRCh37 (hg19) VCF-style: chr1-207930371-A-C.
Other names: c.110A>C, p.Glu37Ala (NM_002389.4, NM_153826.4, NM_172350.3 and 8 more transcripts); short protein forms E37A.
Identifiers: ClinVar variation 4291238 (VCV004291238.1).